The following is an entry in ClinVar:

ClinVar aggregate classification (germline): Uncertain significance (1 of 4 stars; one submission).

Conditions:
Hereditary cancer-predisposing syndrome. Also called: Hereditary neoplastic syndrome; Neoplastic Syndromes, Hereditary; Tumor predisposition; Hereditary Cancer Syndrome. Identifiers: Orphanet 140162, MedGen C0027672, MeSH D009386, MONDO:0015356.

Submission:

Ambry Genetics
Classification: Uncertain significance for Hereditary cancer-predisposing syndrome. Last evaluated: 2025-01-08. Review status: criteria provided, single submitter. Criteria: Ambry Variant Classification Scheme 2023. Collection method: clinical testing. Allele origin: germline.
Comment: The p.Q1203R variant (also known as c.3608A>G), located in coding exon 28 of the EGFR gene, results from an A to G substitution at nucleotide position 3608. The glutamine at codon 1203 is replaced by arginine, an amino acid with highly similar properties. This amino acid position is conserved. In addition, this alteration is predicted to be tolerated by in silico analysis. Based on the available evidence, the clinical significance of this variant remains unclear.

NM_005228.5(EGFR):c.3608A>G (p.Gln1203Arg)

Gene: EGFR (epidermal growth factor receptor; plus strand). Cytogenetic location: 7p11.2.
Variant type: single nucleotide variant.
Coding change: c.3608A>G on transcript NM_005228.5 (MANE Select); coding-DNA position 3608, A replaced by G.
Protein change: p.Gln1203Arg; replaces glutamine 1203 with arginine.
Molecular consequence: missense variant.
Genome position (GRCh38, 1-based): chr7:55,205,592, A>G. VCF-style: chr7-55205592-A-G. GRCh37 (hg19) VCF-style: chr7-55273285-A-G.
Other names: c.3473A>G, p.Gln1158Arg (NM_001346899.2); c.3449A>G, p.Gln1150Arg (NM_001346900.2); c.2807A>G, p.Gln936Arg (NM_001346941.2); short protein forms Q936R, Q1150R, Q1203R, Q1158R.
Identifiers: ClinVar variation 3843797 (VCV003843797.1).